The following is an entry in ClinVar:

NM_012120.3(CD2AP):c.553G>T (p.Ala185Ser)

Gene: CD2AP (CD2 associated protein; plus strand). Cytogenetic location: 6p12.3.
Variant type: single nucleotide variant.
Coding change: c.553G>T on transcript NM_012120.3 (MANE Select); coding-DNA position 553, G replaced by T.
Protein change: p.Ala185Ser; replaces alanine 185 with serine.
Molecular consequence: missense variant.
Genome position (GRCh38, 1-based): chr6:47,574,075, G>T. VCF-style: chr6-47574075-G-T. GRCh37 (hg19) VCF-style: chr6-47541811-G-T.
Other names: short protein forms A185S.
Identifiers: ClinVar variation 357169 (VCV000357169.53), dbSNP rs142643033, ClinGen allele CA3844031.

ClinVar aggregate classification (germline): Conflicting classifications of pathogenicity. Review status: criteria provided, conflicting classifications (1 of 4 stars). 3 submissions from 3 submitters: Uncertain significance (1); Benign (2). Last evaluated 2025-07-31.

Conditions:
Focal segmental glomerulosclerosis 3, susceptibility to (FSGS3). Identifiers: Orphanet 656, MedGen C1842982, MONDO:0011917, OMIM 607832.

Allele frequency attached by ClinVar (database versions not stated): ExAC 0.00035; TOPMed 0.00023; gnomAD 0.00024 and 0.00026; ESP Exome Variant Server 0.00031.
gnomAD v4.1: 286 of 1,613,768 alleles (0.018%); highest among the groups gnomAD compares: Admixed American, 0.015%; no homozygotes.

Submissions (3):

Labcorp Genetics (formerly Invitae), Labcorp
Classification: Benign. Last evaluated: 2025-07-31. Review status: criteria provided, single submitter. Criteria: Invitae Variant Classification Sherloc (09022015). Collection method: clinical testing. Allele origin: germline.

Illumina Laboratory Services, Illumina
Classification: Benign for Focal segmental glomerulosclerosis 3, susceptibility to. Last evaluated: 2018-01-12. Review status: criteria provided, single submitter. Criteria: ICSL Variant Classification Criteria 13 December 2019. Collection method: clinical testing. Allele origin: germline.
Comment: This variant was observed in the ICSL laboratory as part of a predisposition screen in an ostensibly healthy population. It had not been previously curated by ICSL or reported in the Human Gene Mutation Database (HGMD: prior to June 1st, 2018), and was therefore a candidate for classification through an automated scoring system. Utilizing variant allele frequency, disease prevalence and penetrance estimates, and inheritance mode, an automated score was calculated to assess if this variant is too frequent to cause the disease. Based on the score and internal cut-off values, a variant classified as benign is not then subjected to further curation. The score for this variant resulted in a classification of benign for this disease.

CeGaT Center for Human Genetics Tuebingen
Classification: Uncertain significance. Last evaluated: 2017-05-01. Review status: criteria provided, single submitter. Criteria: CeGaT Center For Human Genetics Tuebingen Variant Classification Criteria Version 2. Collection method: clinical testing. Allele origin: germline. Affected: yes. Observed: 1 variant allele.